The following is an entry in ClinVar:

NM_014795.4(ZEB2):c.1947C>G (p.Ile649Met)

Gene: ZEB2 (zinc finger E-box binding homeobox 2; minus strand). Cytogenetic location: 2q22.3.
Variant type: single nucleotide variant.
Coding change: c.1947C>G on transcript NM_014795.4 (MANE Select); coding-DNA position 1947, C replaced by G.
Protein change: p.Ile649Met; replaces isoleucine 649 with methionine.
Molecular consequence: missense variant.
Genome position (GRCh38, 1-based): chr2:144,399,240, G>C on the plus strand (C>G on the coding strand, the complement: ZEB2 is on the minus strand). VCF-style: chr2-144399240-G-C. GRCh37 (hg19) VCF-style: chr2-145156807-G-C.
Other names: c.1875C>G, p.Ile625Met (NM_001171653.2); short protein forms I649M, I625M.
Identifiers: ClinVar variation 957556 (VCV000957556.9), dbSNP rs1164610007, ClinGen allele CA348709598.

ClinVar aggregate classification (germline): Uncertain significance (1 of 4 stars; one submission).

Conditions:
Mowat-Wilson syndrome (MOWS). Also called: Classic Mowat-Wilson Syndrome. Identifiers: Orphanet 2152, MedGen C1856113, MONDO:0009341, OMIM 235730.

Submission:

Labcorp Genetics (formerly Invitae), Labcorp
Classification: Uncertain significance for Mowat-Wilson syndrome. Last evaluated: 2019-09-26. Review status: criteria provided, single submitter. Criteria: Invitae Variant Classification Sherloc (09022015). Collection method: clinical testing. Allele origin: germline.
Comment: In summary, the available evidence is currently insufficient to determine the role of this variant in disease. Therefore, it has been classified as a Variant of Uncertain Significance. Algorithms developed to predict the effect of missense changes on protein structure and function (SIFT, PolyPhen-2, Align-GVGD) all suggest that this variant is likely to be tolerated, but these predictions have not been confirmed by published functional studies and their clinical significance is uncertain. This variant has not been reported in the literature in individuals with ZEB2-related conditions. This variant is not present in population databases (ExAC no frequency). This sequence change replaces isoleucine with methionine at codon 649 of the ZEB2 protein (p.Ile649Met). The isoleucine residue is moderately conserved and there is a small physicochemical difference between isoleucine and methionine.